The following is an entry in ClinVar:

NM_000426.4(LAMA2):c.8988+286A>G

Gene: LAMA2 (laminin subunit alpha 2; plus strand). Cytogenetic location: 6q22.33.
Variant type: single nucleotide variant.
Coding change: c.8988+286A>G on transcript NM_000426.4 (MANE Select); 286 bases into the intron after coding-DNA position 8988, A replaced by G.
Molecular consequence: intron variant.
Genome position (GRCh38, 1-based): chr6:129,512,779, A>G. VCF-style: chr6-129512779-A-G. GRCh37 (hg19) VCF-style: chr6-129833924-A-G.
Other names: c.8976+286A>G (NM_001079823.2).
Identifiers: ClinVar variation 673947 (VCV000673947.1), dbSNP rs73600887, ClinGen allele CA146927229.

ClinVar aggregate classification (germline): Likely benign (1 of 4 stars; one submission).

Allele frequency attached by ClinVar (database versions not stated): 1000 Genomes Project 0.00399; 1000 Genomes Project 30x 0.00515; gnomAD 0.00527 and 0.00575; TOPMed 0.00603.
gnomAD v4.1: 793 of 152,306 alleles (0.52%); highest among the groups gnomAD compares: African/African-American, 1.8%; 7 homozygotes.

Submission:

GeneDx
Classification: Likely benign. Last evaluated: 2018-06-18. Review status: criteria provided, single submitter. Criteria: GeneDx Variant Classification (06012015). Collection method: clinical testing. Allele origin: germline. Affected: yes.
Comment: This variant is considered likely benign or benign based on one or more of the following criteria: it is a conservative change, it occurs at a poorly conserved position in the protein, it is predicted to be benign by multiple in silico algorithms, and/or has population frequency not consistent with disease.